The following is an entry in ClinVar:

ClinVar aggregate classification (germline): Likely pathogenic. Review status: reviewed by expert panel (3 of 4 stars). 3 submissions from 3 submitters: Likely pathogenic (1). 2 of the submissions do not count toward it. Last evaluated 2026-04-09.

Conditions:
Glycogen storage disease, type II (IOPD). Also called: Glucosidase acid-1,4-alpha deficiency; Pompe Disease; CARDIOMEGALIA GLYCOGENICA DIFFUSA; GLYCOGENOSIS, GENERALIZED, CARDIAC FORM; GSD II; Glycogen storage disease type 2. Identifiers: Orphanet 365, MedGen C0017921, MONDO:0009290, OMIM 232300.

Submissions (3):

ClinGen Lysosomal Storage Disorder Variant Curation Expert Panel
Classification: Likely pathogenic for Glycogen storage disease, type II. Last evaluated: 2026-04-09. Review status: reviewed by expert panel. Criteria: clingen_lsd_acmg_specifications_v2-1. Collection method: curation. Allele origin: germline. Inheritance: Autosomal recessive inheritance.
Comment: The NM_000152.5:c.393del (p.Ser132AlafsTer10) variant in GAA is a frameshift variant predicted to cause a premature stop codon in exon 1 out of a total of 20 exons, leading to nonsense mediated decay in a gene in which loss-of-function is an established disease mechanism (PVS1). The variant is absent in gnomAD v4.1.0. (PM2_Supporting). To our knowledge, this variant has not been reported in the literature in individuals with Pompe disease, and results of experimental studies are not available. There is a ClinVar entry for this variant (Variation ID: 371580). The classification of this variant has been upgraded from Variant of Uncertain Significance to Likely Pathogenic based on the recommendations of the ClinGen Sequence Variant Interpretation Working Group, that a variant meeting PVS1 and PM2_Supporting is classified as Likely Pathogenic. In summary, this variant meets the criteria to be classified as Likely Pathogenic for Pompe disease. GAA-specific ACMG/AMP criteria met, based on the specifications of the ClinGen Lysosomal Diseases VCEP (Specifications Version 2.0): PVS1, PM2_Supporting. (Classification approved by the ClinGen Lysosomal Diseases VCEP, April 9, 2026).

Fulgent Genetics
Classification: Likely pathogenic for Glycogen storage disease, type II. Last evaluated: 2024-04-18. Review status: criteria provided, single submitter. Criteria: ACMG Guidelines, 2015. Collection method: clinical testing. Allele origin: germline. Not counted in ClinVar's aggregate classification.

Counsyl
Classification: Likely pathogenic for Glycogen storage disease, type II. Last evaluated: 2016-10-25. Review status: no assertion criteria provided. Collection method: clinical testing. Allele origin: unknown. Not counted in ClinVar's aggregate classification.

NM_000152.5(GAA):c.393del (p.Ser132fs)

Gene: GAA (alpha glucosidase; plus strand). Cytogenetic location: 17q25.3.
Variant type: Deletion.
Coding change: c.393del on transcript NM_000152.5 (MANE Select); coding-DNA position 393, one base deleted (C; older notation c.393delC).
Protein change: p.Ser132fs; shifts the reading frame from serine 132.
Molecular consequence: frameshift variant.
Genome position (GRCh38, 1-based): chr17:80,104,979, C deleted; the last of 3 consecutive C bases (chr17:80,104,977-80,104,979); deleting any one gives the same sequence. VCF-style (leftmost placement, unchanged base first): chr17-80104976-AC-A. GRCh37 (hg19) VCF-style: chr17-78078775-AC-A.
Other names: c.393del (LRG_673t1); c.393del, p.Ser132fs (NM_001079803.3, NM_001079804.3); short protein forms S132fs.
Identifiers: ClinVar variation 371580 (VCV000371580.9), dbSNP rs1057517381, ClinGen allele CA16041882.
Genomic context (GRCh38, chr17:80,104,976, plus strand): 5'-CATCCCTGCAAAGCAGGGGCTGCAGGGAGCCCAGATGGGGCAGCCCTGGTGCTTCTTCCC[AC>A]CCAGCTACCCCAGCTACAAGCTGGAGAACCTGAGCTCCTCTGAAATGGGCTACACGGCCA-3'